The following is an entry in ClinVar:

ClinVar aggregate classification (germline): Uncertain significance (1 of 4 stars; one submission).

Allele frequency attached by ClinVar (database versions not stated): ExAC 0.00001; gnomAD 0.00001; TOPMed 0.00002; ESP Exome Variant Server 0.00008.
gnomAD v4.1: 3 of 1,614,086 alleles (0.00019%); highest among the groups gnomAD compares: African/African-American, 0.0013%; no homozygotes.

Submission:

GeneDx
Classification: Uncertain significance. Last evaluated: 2022-04-21. Review status: criteria provided, single submitter. Criteria: GeneDx Variant Classification Process June 2021. Collection method: clinical testing. Allele origin: germline. Affected: yes.
Comment: Not observed at significant frequency in large population cohorts (gnomAD); In silico analysis supports that this missense variant does not alter protein structure/function; Has not been previously published as pathogenic or benign to our knowledge

NM_015346.4(ZFYVE26):c.737C>A (p.Ala246Asp)

Gene: ZFYVE26 (zinc finger FYVE-type containing 26; minus strand). Cytogenetic location: 14q24.1.
Variant type: single nucleotide variant.
Coding change: c.737C>A on transcript NM_015346.4 (MANE Select); coding-DNA position 737, C replaced by A.
Protein change: p.Ala246Asp; replaces alanine 246 with aspartic acid.
Molecular consequence: missense variant.
Genome position (GRCh38, 1-based): chr14:67,807,547, G>T on the plus strand (C>A on the coding strand, the complement: ZFYVE26 is on the minus strand). VCF-style: chr14-67807547-G-T. GRCh37 (hg19) VCF-style: chr14-68274264-G-T.
Other names: short protein forms A246D.
Identifiers: ClinVar variation 1712238 (VCV001712238.2), dbSNP rs367929006, ClinGen allele CA7240714.